The following is an entry in ClinVar:

ClinVar aggregate classification (germline): Uncertain significance (1 of 4 stars; one submission).

Conditions:
Immunodeficiency, common variable, 7. Identifiers: Orphanet 1572, Orphanet 696894, MedGen C3542922, MONDO:0013862, OMIM 614699.

Allele frequency attached by ClinVar (database versions not stated): 1000 Genomes Project 0.00060; gnomAD exomes 0.00001 and 0.00002; TOPMed 0.00001; gnomAD 0.00002; ExAC 0.00004; 1000 Genomes Project 30x 0.00047.
gnomAD v4.1: 17 of 1,612,748 alleles (0.0011%); highest among the groups gnomAD compares: South Asian, 0.017%; no homozygotes.

Submission:

Labcorp Genetics (formerly Invitae), Labcorp
Classification: Uncertain significance for Immunodeficiency, common variable, 7. Last evaluated: 2021-08-24. Review status: criteria provided, single submitter. Criteria: Invitae Variant Classification Sherloc (09022015). Collection method: clinical testing. Allele origin: germline.
Comment: This sequence change replaces methionine with isoleucine at codon 881 of the CR2 protein (p.Met881Ile). The methionine residue is moderately conserved and there is a small physicochemical difference between methionine and isoleucine. This variant is present in population databases (rs568997285, ExAC 0.03%). This variant has not been reported in the literature in individuals affected with CR2-related conditions. Algorithms developed to predict the effect of missense changes on protein structure and function are either unavailable or do not agree on the potential impact of this missense change (SIFT: "Tolerated"; PolyPhen-2: "Possibly Damaging"; Align-GVGD: "Class C0"). In summary, the available evidence is currently insufficient to determine the role of this variant in disease. Therefore, it has been classified as a Variant of Uncertain Significance.

NM_001006658.3(CR2):c.2643G>C (p.Met881Ile)

Gene: CR2 (complement C3d receptor 2; plus strand). Cytogenetic location: 1q32.2.
Variant type: single nucleotide variant.
Coding change: c.2643G>C on transcript NM_001006658.3 (MANE Select); coding-DNA position 2643, G replaced by C.
Protein change: p.Met881Ile; replaces methionine 881 with isoleucine.
Molecular consequence: missense variant.
Genome position (GRCh38, 1-based): chr1:207,475,143, G>C. VCF-style: chr1-207475143-G-C. GRCh37 (hg19) VCF-style: chr1-207648488-G-C.
Other names: c.2466G>C, p.Met822Ile (NM_001877.5); short protein forms M822I, M881I.
Identifiers: ClinVar variation 1402475 (VCV001402475.5), dbSNP rs568997285, ClinGen allele CA1369017.